The following is an entry in ClinVar:

NM_001148.6(ANK2):c.8400T>A (p.Asp2800Glu)

Gene: ANK2 (ankyrin 2; plus strand). Cytogenetic location: 4q26.
Variant type: single nucleotide variant.
Coding change: c.8400T>A on transcript NM_001148.6 (MANE Select); coding-DNA position 8400, T replaced by A.
Protein change: p.Asp2800Glu; replaces aspartic acid 2800 with glutamic acid.
Molecular consequence: missense variant. On other transcripts: intron variant (68).
Genome position (GRCh38, 1-based): chr4:113,357,018, T>A. VCF-style: chr4-113357018-T-A. GRCh37 (hg19) VCF-style: chr4-114278174-T-A.
Other names: c.8166T>A, p.Asp2722Glu (NM_001386142.1); c.4800T>A, p.Asp1600Glu (NM_001386166.1); c.8541T>A, p.Asp2847Glu (NM_001386174.1); c.8517T>A, p.Asp2839Glu (NM_001386175.1); c.4412-3805T>A (NM_001386186.2, NM_001386148.2); c.4214-3805T>A (NM_001354269.3); c.4292-3805T>A (NM_001386187.2); c.4253-3805T>A (NM_001386147.1); and 35 more; short protein forms D2722E, D2800E, D1600E, D2839E, D2847E.
Identifiers: ClinVar variation 1763254 (VCV001763254.4), dbSNP rs758707541, ClinGen allele CA3051765.
Genomic context (GRCh38, chr4:113,357,018, plus strand): 5'-GAGTCCTAGCAGCTCAGCTGCTCCTGTCTCTTCAGGTCTACAGAGTCCGACTGGTGATGA[T>A]GTTGATGAACAGCCAGTCATCTATAAAGAATCATTAGCTCTCCAAGGCACTCATGAAAAA-3'
Protein context (NP_001139.3, residues 2790-2810): SSGLQSPTGD[Asp2800Glu]VDEQPVIYKE

ClinVar aggregate classification (germline): Conflicting classifications of pathogenicity. Review status: criteria provided, conflicting classifications (1 of 4 stars). 2 submissions from 2 submitters: Uncertain significance (1); Likely benign (1). Last evaluated 2024-07-30.

Conditions:
Cardiovascular phenotype. Identifiers: MedGen CN230736.
Long QT syndrome (LQTS). Identifiers: MedGen C0023976, MeSH D008133, MONDO:0002442. Disease mechanism: loss of function. Inheritance: Various modes of inheritance.

Allele frequency attached by ClinVar (database versions not stated): ExAC 0.00001.
gnomAD v4.1: 2 of 1,614,052 alleles (0.00012%); highest among the groups gnomAD compares: East Asian, 0.0022%; no homozygotes.

Submissions (2):

Labcorp Genetics (formerly Invitae), Labcorp
Classification: Uncertain significance for Long QT syndrome. Last evaluated: 2024-07-30. Review status: criteria provided, single submitter. Criteria: Invitae Variant Classification Sherloc (09022015). Collection method: clinical testing. Allele origin: germline.
Comment: This sequence change replaces aspartic acid, which is acidic and polar, with glutamic acid, which is acidic and polar, at codon 2800 of the ANK2 protein (p.Asp2800Glu). This variant is present in population databases (rs758707541, gnomAD 0.006%). This variant has not been reported in the literature in individuals affected with ANK2-related conditions. ClinVar contains an entry for this variant (Variation ID: 1763254). An algorithm developed to predict the effect of missense changes on protein structure and function outputs the following: PolyPhen-2: "Benign". The glutamic acid amino acid residue is found in multiple mammalian species, which suggests that this missense change does not adversely affect protein function. In summary, the available evidence is currently insufficient to determine the role of this variant in disease. Therefore, it has been classified as a Variant of Uncertain Significance.

Ambry Genetics
Classification: Likely benign for Cardiovascular phenotype. Last evaluated: 2021-02-12. Review status: criteria provided, single submitter. Criteria: Ambry Variant Classification Scheme 2023. Collection method: clinical testing. Allele origin: germline.